The following is an entry in ClinVar:

NM_025243.4(SLC19A3):c.734A>G (p.Asn245Ser)

Gene: SLC19A3 (solute carrier family 19 member 3; minus strand). Cytogenetic location: 2q36.3.
Variant type: single nucleotide variant.
Coding change: c.734A>G on transcript NM_025243.4 (MANE Select); coding-DNA position 734, A replaced by G.
Protein change: p.Asn245Ser; replaces asparagine 245 with serine.
Molecular consequence: missense variant.
Genome position (GRCh38, 1-based): chr2:227,698,981, T>C on the plus strand (A>G on the coding strand, the complement: SLC19A3 is on the minus strand). VCF-style: chr2-227698981-T-C. GRCh37 (hg19) VCF-style: chr2-228563697-T-C.
Other names: c.734A>G, p.Asn245Ser (NM_001371411.1, NM_001371412.1); c.722A>G, p.Asn241Ser (NM_001371413.1, NM_001371414.1); short protein forms N241S, N245S.
Identifiers: ClinVar variation 5037690 (VCV005037690.1).

ClinVar aggregate classification (germline): Uncertain significance (1 of 4 stars; one submission).

gnomAD v4.1: 53 of 1,614,124 alleles (0.0033%); highest among the groups gnomAD compares: Non-Finnish European, 0.0042%; no homozygotes.

Submission:

GeneDx
Classification: Uncertain significance. Last evaluated: 2026-04-23. Review status: criteria provided, single submitter. Criteria: GeneDx Variant Classification Process June 2021. Collection method: clinical testing. Allele origin: germline.
Comment: Not observed at significant frequency in large population cohorts (gnomAD); In silico analysis suggests that this missense variant does not alter protein structure/function; Has not been previously published as pathogenic or benign to our knowledge